The following is an entry in ClinVar:

ClinVar aggregate classification (germline): Uncertain significance (1 of 4 stars; one submission).

Conditions:
Hereditary cancer-predisposing syndrome. Also called: Neoplastic Syndromes, Hereditary; Tumor predisposition; Hereditary Cancer Syndrome; Hereditary neoplastic syndrome. Identifiers: Orphanet 140162, MedGen C0027672, MeSH D009386, MONDO:0015356.

Submission:

Ambry Genetics
Classification: Uncertain significance for Hereditary cancer-predisposing syndrome. Last evaluated: 2026-02-03. Review status: criteria provided, single submitter. Criteria: Ambry Variant Classification Scheme 2023. Collection method: clinical testing. Allele origin: germline.
Comment: The p.M1? variant (also known as c.3G>T) is located in coding exon 1 of the SMARCB1 gene and results from a G to T substitution at nucleotide position 3. This alters the methionine residue at the initiation codon (ATG). Variations that modify the initiation codon (ATG) are expected to result in either loss of translation initiation, N-terminal truncation, or cause a shift in the mRNA reading frame; however, there is an in-frame methionine 1 amino acid from the initiation site, which may result in N-terminal truncation of unknown functional significance. Based on the available evidence, the clinical significance of this variant remains unclear.

NM_003073.5(SMARCB1):c.3G>T (p.Met1Ile)

Gene: SMARCB1 (SWI/SNF related BAF chromatin remodeling complex subunit B1; plus strand). Cytogenetic location: 22q11.23.
Variant type: single nucleotide variant.
Coding change: c.3G>T on transcript NM_003073.5 (MANE Select); coding-DNA position 3, G replaced by T.
Protein change: p.Met1Ile; changes the start codon (methionine 1).
Molecular consequence: missense variant, initiator codon variant.
Genome position (GRCh38, 1-based): chr22:23,787,172, G>T. VCF-style: chr22-23787172-G-T. GRCh37 (hg19) VCF-style: chr22-24129359-G-T.
Other names: c.3G>T, p.Met1Ile (NM_001007468.3, NM_001317946.2, NM_001362877.2); short protein forms M1I.
Identifiers: ClinVar variation 4824950 (VCV004824950.1).
Genomic context (GRCh38, chr22:23,787,172, plus strand): 5'-GCCCCAGCCCTCCTGATCCCTCGCAGCCCGGCTCCGGCCGCCCGCCTCTGCCGCCGCAAT[G>T]ATGATGATGGCGCTGAGCAAGACCTTCGGGCAGAAGCCCGTGAAGTTCCAGCTGGAGGAC-3'
Protein context (NP_003064.2, residues 1-11): [Met1Ile]MMMALSKTFG